The following is an entry in ClinVar:

NM_006412.4(AGPAT2):c.202C>T (p.Arg68Ter)

Gene: AGPAT2 (1-acylglycerol-3-phosphate O-acyltransferase 2; minus strand). Cytogenetic location: 9q34.3.
Variant type: single nucleotide variant.
Coding change: c.202C>T on transcript NM_006412.4 (MANE Select); coding-DNA position 202, C replaced by T.
Protein change: p.Arg68Ter; replaces arginine 68 with a stop codon.
Molecular consequence: nonsense.
Genome position (GRCh38, 1-based): chr9:136,677,537, G>A on the plus strand (C>T on the coding strand, the complement: AGPAT2 is on the minus strand). VCF-style: chr9-136677537-G-A. GRCh37 (hg19) VCF-style: chr9-139571989-G-A.
Other names: c.202C>T, p.Arg68Ter (NM_001012727.2); short protein forms R68*.
Identifiers: ClinVar variation 6624 (VCV000006624.11), dbSNP rs104894093, ClinGen allele CA277942.

ClinVar aggregate classification (germline): Pathogenic. Review status: criteria provided, multiple submitters, no conflicts (2 of 4 stars). 8 submissions from 8 submitters: Pathogenic (3). 5 of the submissions do not count toward it. Last evaluated 2023-07-24.

Conditions:
Congenital generalized lipodystrophy type 1 (CGL1). Also called: BRUNZELL SYNDROME, AGPAT2-RELATED; Berardinelli-Seip Congenital Lipodystrophy Type 1. Identifiers: Orphanet 528, Orphanet 696189, MedGen C1720862, MONDO:0012071, OMIM 608594.

Allele frequency attached by ClinVar (database versions not stated): TOPMed 0.00001; gnomAD exomes 0.00002; ExAC 0.00003; gnomAD 0.00001.

Submissions (8):

GeneDx
Classification: Pathogenic. Last evaluated: 2023-07-24. Review status: criteria provided, single submitter. Criteria: GeneDx Variant Classification Process June 2021. Collection method: clinical testing. Allele origin: germline. Affected: yes.
Comment: Nonsense variant predicted to result in protein truncation or nonsense mediated decay in a gene for which loss of function is a known mechanism of disease; This variant is associated with the following publications: (PMID: 19278620, 31589614, 18640396, 34593051, 27144933, 26072926, 11967537, 12765973, 31416577, 15629135)

Fulgent Genetics
Classification: Pathogenic for Congenital generalized lipodystrophy type 1. Last evaluated: 2022-03-16. Review status: criteria provided, single submitter. Criteria: ACMG Guidelines, 2015. Collection method: clinical testing. Allele origin: unknown.

Victorian Clinical Genetics Services, Murdoch Childrens Research Institute
Classification: Pathogenic for Congenital generalized lipodystrophy type 1. Last evaluated: 2021-05-06. Review status: criteria provided, single submitter. Criteria: ACMG Guidelines, 2015. Collection method: clinical testing. Allele origin: germline. Inheritance: Autosomal recessive inheritance.
Comment: Based on the classification scheme VCGS_Germline_v1.3.4, this variant is classified as Pathogenic. Following criteria are met: 0102 - Loss of function is a known mechanism of disease in this gene and is associated with congenital generalized lipodystrophy type 1 (MIM#608594). (I) 0106 - This gene is associated with autosomal recessive disease. (I) 0201 - Variant is predicted to cause nonsense-mediated decay (NMD) and loss of protein (premature termination codon is located at least 54 nucleotides upstream of the final exon-exon junction). (SP) 0251 - This variant is heterozygous. (I) 0304 - Variant is present in gnomAD (v2) <0.01 for a recessive condition (5 heterozygotes, 0 homozygotes). (SP) 0701 - Other NMD-predicted variants comparable to the one identified in this case have very strong previous evidence for pathogenicity. These variants have been reported many times as pathogenic, and have been observed in patients with congenital generalized lipodystrophy (CGL) (Decipher, PMID: 27144933). (SP) 0802 - This variant has moderate previous evidence of pathogenicity in unrelated individuals. This variant has been reported as pathogenic, and observed in multiple homozygous patients with CGL (ClinVar, PMID: 11967537, PMID: 26072926). (SP) 1201 - Heterozygous variant detected in trans with a second likely pathogenic heterozygous variant (c.493-2A>G) in a recessive disease. (I) Legend: (SP) - Supporting pathogenic, (I) - Information, (SB) - Supporting benign

OMIM
Classification: Pathogenic for LIPODYSTROPHY, CONGENITAL GENERALIZED, TYPE 1. Last evaluated: 2002-05-01. Review status: no assertion criteria provided. Collection method: literature only. Allele origin: germline. Not counted in ClinVar's aggregate classification.

Clinical Genetics DNA and cytogenetics Diagnostics Lab, Erasmus MC, Erasmus Medical Center
Classification: Pathogenic. Review status: no assertion criteria provided. Collection method: clinical testing. Allele origin: germline. Affected: yes. Study: VKGL Data-share Consensus. Not counted in ClinVar's aggregate classification.

GeneReviews
No classification provided. Condition: Congenital generalized lipodystrophy type 1. Review status: no classification provided. Collection method: literature only. Allele origin: germline. Affected: yes. Not counted in ClinVar's aggregate classification.

Genome Diagnostics Laboratory, University Medical Center Utrecht
Classification: Pathogenic. Review status: no assertion criteria provided. Collection method: clinical testing. Allele origin: germline. Affected: yes. Study: VKGL Data-share Consensus. Not counted in ClinVar's aggregate classification.

Joint Genome Diagnostic Labs from Nijmegen and Maastricht, Radboudumc and MUMC+
Classification: Pathogenic. Review status: no assertion criteria provided. Collection method: clinical testing. Allele origin: germline. Affected: yes. Study: VKGL Data-share Consensus. Not counted in ClinVar's aggregate classification.

Literature cited by the submitters: PubMed 11967537 (cited by Victorian Clinical Genetics Services, Murdoch Childrens Research Institute and OMIM); PubMed 26072926 (cited by Victorian Clinical Genetics Services, Murdoch Childrens Research Institute); PubMed 27144933 (cited by Victorian Clinical Genetics Services, Murdoch Childrens Research Institute); NCBI Bookshelf NBK1212 (cited by GeneReviews).